The following is an entry in ClinVar:

ClinVar aggregate classification (germline): Uncertain significance (1 of 4 stars; one submission).

Conditions:
Schuurs-Hoeijmakers syndrome. Also called: PACS1-Related Neurodevelopmental Disorder. Identifiers: Orphanet 329224, MedGen C3554343, MONDO:0014006, OMIM 615009.

Submission:

Labcorp Genetics (formerly Invitae), Labcorp
Classification: Uncertain significance for Schuurs-Hoeijmakers syndrome. Last evaluated: 2023-12-09. Review status: criteria provided, single submitter. Criteria: Invitae Variant Classification Sherloc (09022015). Collection method: clinical testing. Allele origin: germline.
Comment: This sequence change replaces alanine, which is neutral and non-polar, with proline, which is neutral and non-polar, at codon 627 of the PACS1 protein (p.Ala627Pro). This variant is not present in population databases (gnomAD no frequency). This variant has not been reported in the literature in individuals affected with PACS1-related conditions. Advanced modeling of protein sequence and biophysical properties (such as structural, functional, and spatial information, amino acid conservation, physicochemical variation, residue mobility, and thermodynamic stability) performed at Invitae indicates that this missense variant is not expected to disrupt PACS1 protein function with a negative predictive value of 80%. In summary, the available evidence is currently insufficient to determine the role of this variant in disease. Therefore, it has been classified as a Variant of Uncertain Significance.

NM_018026.4(PACS1):c.1879G>C (p.Ala627Pro)

Gene: PACS1 (phosphofurin acidic cluster sorting protein 1; plus strand). Cytogenetic location: 11q13.2.
Variant type: single nucleotide variant.
Coding change: c.1879G>C on transcript NM_018026.4 (MANE Select); coding-DNA position 1879, G replaced by C.
Protein change: p.Ala627Pro; replaces alanine 627 with proline.
Molecular consequence: missense variant.
Genome position (GRCh38, 1-based): chr11:66,233,825, G>C. VCF-style: chr11-66233825-G-C. GRCh37 (hg19) VCF-style: chr11-66001296-G-C.
Other names: short protein forms A627P.
Identifiers: ClinVar variation 2701731 (VCV002701731.3), dbSNP rs2495588532, ClinGen allele CA381372127.